The following is an entry in ClinVar:

ClinVar aggregate classification (germline): Likely benign. Review status: reviewed by expert panel (3 of 4 stars). 4 submissions from 4 submitters: Likely benign (1). 3 of the submissions do not count toward it. Last evaluated 2017-05-09.

Conditions:
Cardiofaciocutaneous syndrome 3 (CFC3). Also called: MAP2K1-Related Cardiofaciocutaneous Syndrome. Identifiers: Orphanet 1340, MedGen C3809006, MONDO:0014113, OMIM 615279.
Melorheostosis (MEL). Also called: MELORHEOSTOSIS, ISOLATED. Identifiers: Orphanet 2485, MedGen C3149631, MONDO:0007970, OMIM 155950, HP:6000817.
RASopathy. Also called: rasopathies; Noonan spectrum disorder. Identifiers: Orphanet 536391, MedGen C5555857, MONDO:0021060.

Allele frequency attached by ClinVar (database versions not stated): gnomAD below 0.00001 and 0.00002; TOPMed below 0.00001; gnomAD exomes 0.00004 and 0.00005; ExAC 0.00008.
gnomAD v4.1: 61 of 1,613,538 alleles (0.0038%); highest among the groups gnomAD compares: South Asian, 0.063%; 2 homozygotes.

Submissions (4):

ClinGen RASopathy Variant Curation Expert Panel
Classification: Likely benign for Noonan syndrome and Noonan-related syndrome. Last evaluated: 2017-05-09. Review status: reviewed by expert panel. Criteria: ClinGen RASopathy ACMG Specifications v1. Collection method: curation. Allele origin: germline. Inheritance: Autosomal dominant inheritance.
Comment: The filtering allele frequency of the c.896-5T>C variant in the MAP2K1 gene is 0.0328% (10/16512) of South Asian chromosomes by the Exome Aggregation Consortium, which is a high enough frequency to be classified as likely benign based on thresholds defined by the ClinGen RASopathy Expert Panel (BS1; PMID:29493581)

Labcorp Genetics (formerly Invitae), Labcorp
Classification: Likely benign for RASopathy. Last evaluated: 2025-07-03. Review status: criteria provided, single submitter. Criteria: Invitae Variant Classification Sherloc (09022015). Collection method: clinical testing. Allele origin: germline. Not counted in ClinVar's aggregate classification.

Women's Health and Genetics/Laboratory Corporation of America, LabCorp
Classification: Benign. Last evaluated: 2024-11-12. Review status: criteria provided, single submitter. Criteria: LabCorp Variant Classification Summary - May 2015. Collection method: clinical testing. Allele origin: germline. Not counted in ClinVar's aggregate classification.
Comment: Variant summary: MAP2K1 c.896-5T>C alters a nucleotide located close to a canonical splice site and therefore could affect mRNA splicing, leading to a significantly altered protein sequence. Consensus agreement among computation tools predict no significant impact on normal splicing. However, these predictions have yet to be confirmed by functional studies. The variant allele was found at a frequency of 5.2e-05 in 251446 control chromosomes. The observed variant frequency is approximately 68.93 fold of the estimated maximal expected allele frequency for a pathogenic variant in MAP2K1 causing Cardiofaciocutaneous Syndrome phenotype (7.5e-07). To our knowledge, no occurrence of c.896-5T>C in individuals affected with Cardiofaciocutaneous Syndrome and no experimental evidence demonstrating its impact on protein function have been reported. ClinVar contains an entry for this variant (Variation ID: 448948). Based on the evidence outlined above, the variant was classified as benign.

Fulgent Genetics
Classification: Uncertain significance for Melorheostosis; Cardiofaciocutaneous syndrome 3. Last evaluated: 2024-04-30. Review status: criteria provided, single submitter. Criteria: ACMG Guidelines, 2015. Collection method: clinical testing. Allele origin: germline. Not counted in ClinVar's aggregate classification.

NM_002755.4(MAP2K1):c.896-5T>C

Gene: MAP2K1 (mitogen-activated protein kinase kinase 1; plus strand). Cytogenetic location: 15q22.31.
Variant type: single nucleotide variant.
Coding change: c.896-5T>C on transcript NM_002755.4 (MANE Select); 5 bases into the intron before coding-DNA position 896, T replaced by C.
Molecular consequence: intron variant.
Genome position (GRCh38, 1-based): chr15:66,487,223, T>C. VCF-style: chr15-66487223-T-C. GRCh37 (hg19) VCF-style: chr15-66779561-T-C.
Identifiers: ClinVar variation 448948 (VCV000448948.7), dbSNP rs748953467, ClinGen allele CA7624046.